The following is an entry in ClinVar:

NM_001083926.2(ASRGL1):c.862G>A (p.Ala288Thr)

Gene: ASRGL1 (asparaginase and isoaspartyl peptidase 1; plus strand). Cytogenetic location: 11q12.3.
Variant type: single nucleotide variant.
Coding change: c.862G>A on transcript NM_001083926.2 (MANE Select); coding-DNA position 862, G replaced by A.
Protein change: p.Ala288Thr; replaces alanine 288 with threonine.
Molecular consequence: missense variant.
Genome position (GRCh38, 1-based): chr11:62,392,219, G>A. VCF-style: chr11-62392219-G-A. GRCh37 (hg19) VCF-style: chr11-62159691-G-A.
Other names: c.862G>A, p.Ala288Thr (NM_025080.4); short protein forms A288T.
Identifiers: ClinVar variation 944608 (VCV000944608.7), dbSNP rs141369983, ClinGen allele CA6043339.
Genomic context (GRCh38, chr11:62,392,219, plus strand): 5'-GTTAGCAAAACAGGAGACTGGGTGGCAAAGTGGACCTCCACCTCCATGCCCTGGGCAGCC[G>A]CCAAGGACGGCAAGCTGCACTTCGGAATTGATCCTGACGATACTACTATCACCGACCTTC-3'
Protein context (NP_001077395.1, residues 278-298): WTSTSMPWAA[Ala288Thr]KDGKLHFGID

ClinVar aggregate classification (germline): Uncertain significance (1 of 4 stars; one submission).

Allele frequency attached by ClinVar (database versions not stated): ExAC 0.00001; gnomAD 0.00001; TOPMed 0.00001; gnomAD exomes 0.00002; ESP Exome Variant Server 0.00008.
gnomAD v4.1: 24 of 1,614,090 alleles (0.0015%); highest among the groups gnomAD compares: South Asian, 0.0044%; no homozygotes.

Submission:

Labcorp Genetics (formerly Invitae), Labcorp
Classification: Uncertain significance. Last evaluated: 2025-09-14. Review status: criteria provided, single submitter. Criteria: Invitae Variant Classification Sherloc (09022015). Collection method: clinical testing. Allele origin: germline.
Comment: This sequence change replaces alanine, which is neutral and non-polar, with threonine, which is neutral and polar, at codon 288 of the ASRGL1 protein (p.Ala288Thr). This variant is present in population databases (rs141369983, gnomAD 0.006%). This variant has not been reported in the literature in individuals affected with ASRGL1-related conditions. ClinVar contains an entry for this variant (Variation ID: 944608). An algorithm developed to predict the effect of missense changes on protein structure and function (PolyPhen-2) suggests that this variant is likely to be disruptive. In summary, the available evidence is currently insufficient to determine the role of this variant in disease. Therefore, it has been classified as a Variant of Uncertain Significance.